The following is an entry in ClinVar:

ClinVar aggregate classification (germline): Uncertain significance (1 of 4 stars; one submission).

Allele frequency attached by ClinVar (database versions not stated): TOPMed 0.00002.

Submission:

Labcorp Genetics (formerly Invitae), Labcorp
Classification: Uncertain significance. Last evaluated: 2023-07-19. Review status: criteria provided, single submitter. Criteria: Invitae Variant Classification Sherloc (09022015). Collection method: clinical testing. Allele origin: germline.
Comment: In summary, the available evidence is currently insufficient to determine the role of this variant in disease. Therefore, it has been classified as a Variant of Uncertain Significance. Advanced modeling of protein sequence and biophysical properties (such as structural, functional, and spatial information, amino acid conservation, physicochemical variation, residue mobility, and thermodynamic stability) performed at Invitae indicates that this missense variant is expected to disrupt TUBB1 protein function. This sequence change replaces alanine, which is neutral and non-polar, with valine, which is neutral and non-polar, at codon 206 of the TUBB1 protein (p.Ala206Val). This variant is present in population databases (no rsID available, gnomAD 0.007%). This variant has not been reported in the literature in individuals affected with TUBB1-related conditions.

NM_030773.4(TUBB1):c.617C>T (p.Ala206Val)

Gene: TUBB1 (tubulin beta 1 class VI; plus strand). Cytogenetic location: 20q13.32.
Variant type: single nucleotide variant.
Coding change: c.617C>T on transcript NM_030773.4 (MANE Select); coding-DNA position 617, C replaced by T.
Protein change: p.Ala206Val; replaces alanine 206 with valine.
Molecular consequence: missense variant.
Genome position (GRCh38, 1-based): chr20:59,024,044, C>T. VCF-style: chr20-59024044-C-T. GRCh37 (hg19) VCF-style: chr20-57599099-C-T.
Other names: short protein forms A206V.
Identifiers: ClinVar variation 2878086 (VCV002878086.3), dbSNP rs1267846783, ClinGen allele CA409467310.
Genomic context (GRCh38, chr20:59,024,044, plus strand): 5'-TTCTGTCTATCCACCAGCTGATTGAGAATGCAGATGCCTGTTTCTGCATTGACAATGAGG[C>T]CCTCTATGACATCTGCTTCCGTACCCTGAAGCTGACGACACCCACCTATGGGGATCTCAA-3'
Protein context (NP_110400.1, residues 196-216): ADACFCIDNE[Ala206Val]LYDICFRTLK